The following is an entry in ClinVar:

NM_000038.6(APC):c.7110T>C (p.Gly2370=)

Gene: APC (APC regulator of Wnt signaling pathway; plus strand). Cytogenetic location: 5q22.2.
Variant type: single nucleotide variant.
Coding change: c.7110T>C on transcript NM_000038.6 (MANE Select); coding-DNA position 7110, T replaced by C.
Protein change: p.Gly2370=; no amino-acid change (glycine 2370 retained).
Molecular consequence: synonymous variant. On other transcripts: non-coding transcript variant (2).
Genome position (GRCh38, 1-based): chr5:112,842,704, T>C. VCF-style: chr5-112842704-T-C. GRCh37 (hg19) VCF-style: chr5-112178401-T-C.
Other names: c.7164T>C, p.Gly2388= (NM_001407448.1, NM_001407449.1, NM_001407447.1 and 1 more transcripts); c.7110T>C, p.Gly2370= (NM_001407450.1, NM_001127510.3, NM_001354895.2); c.7089T>C, p.Gly2363= (NM_001407451.1); c.7080T>C, p.Gly2360= (NM_001407452.1); c.6933T>C, p.Gly2311= (NM_001407453.1, NM_001354901.2); c.6861T>C, p.Gly2287= (NM_001407454.1, NM_001407455.1, NM_001407456.1 and 1 more transcripts); c.6807T>C, p.Gly2269= (NM_001407458.1, NM_001407459.1, NM_001407460.1 and 1 more transcripts); c.6723T>C, p.Gly2241= (NM_001407467.1, NM_001407469.1); and 11 more.
Identifiers: ClinVar variation 3254532 (VCV003254532.9), dbSNP rs1554088015.

ClinVar aggregate classification (germline): Benign/Likely benign. Review status: criteria provided, multiple submitters, no conflicts (2 of 4 stars). 2 submissions from 2 submitters: Benign (1); Likely benign (1). Last evaluated 2025-08-01.

Conditions:
Familial adenomatous polyposis 1 (FAP1). Also called: FAMILIAL ADENOMATOUS POLYPOSIS 1, ATTENUATED; POLYPOSIS, ADENOMATOUS INTESTINAL. Identifiers: MedGen C2713442, MONDO:0021056, OMIM 175100. Disease mechanism: loss of function.

Submissions (2):

CeGaT Center for Human Genetics Tuebingen
Classification: Likely benign. Last evaluated: 2025-08-01. Review status: criteria provided, single submitter. Criteria: CeGaT Center For Human Genetics Tuebingen Variant Classification Criteria Version 2. Collection method: clinical testing. Allele origin: germline. Affected: yes. Observed: 1 variant allele.
Comment: APC: PM2:Supporting, BP4, BP7

Myriad Genetics, Inc.
Classification: Benign for Familial adenomatous polyposis 1. Last evaluated: 2024-04-08. Review status: criteria provided, single submitter. Criteria: Myriad Autosomal Dominant, Autosomal Recessive and X-Linked Classification Criteria (2023). Collection method: clinical testing. Allele origin: unknown.
Comment: This variant is considered benign. This variant is a silent/synonymous amino acid change and it is not expected to impact splicing.